The following is an entry in ClinVar:

NM_001243133.2(NLRP3):c.1306A>C (p.Thr436Pro)

Gene: NLRP3 (NLR family pyrin domain containing 3; plus strand). Cytogenetic location: 1q44.
Variant type: single nucleotide variant.
Coding change: c.1306A>C on transcript NM_001243133.2 (MANE Select); coding-DNA position 1306, A replaced by C.
Protein change: p.Thr436Pro; replaces threonine 436 with proline.
Molecular consequence: missense variant.
Genome position (GRCh38, 1-based): chr1:247,424,755, A>C. VCF-style: chr1-247424755-A-C. GRCh37 (hg19) VCF-style: chr1-247588057-A-C.
Other names: c.1306A>C, p.Thr436Pro (NM_001079821.3, NM_001127461.3, NM_001127462.3 and 1 more transcripts); c.1312A>C, p.Thr438Pro (NM_004895.5); short protein forms T438P, T436P.
Identifiers: ClinVar variation 97920 (VCV000097920.1), dbSNP rs180177465, ClinGen allele CA281161.

ClinVar aggregate classification (germline): not provided (0 of 4 stars; one submission).

Conditions:
Familial cold autoinflammatory syndrome 1 (FCAS1). Also called: CRYOPYRIN-ASSOCIATED PERIODIC SYNDROME 1; Familial cold inflammatory syndrome 1. Identifiers: Orphanet 47045, MedGen C4551895, MONDO:0007349, OMIM 120100.

Submission:

Unité médicale des maladies autoinflammatoires, CHRU Montpellier
No classification provided. Condition: Familial cold urticaria. Review status: no classification provided. Collection method: not provided. Allele origin: unknown.
Comment: also involved in OMIM 191900 and 607115